The following is an entry in ClinVar:

NM_002047.4(GARS1):c.1194+2T>G

Gene: GARS1 (glycyl-tRNA synthetase 1; plus strand). Cytogenetic location: 7p14.3.
Variant type: single nucleotide variant.
Coding change: c.1194+2T>G on transcript NM_002047.4 (MANE Select); the canonical splice donor site of the intron after coding-DNA position 1194, T replaced by G.
Molecular consequence: splice donor variant.
Genome position (GRCh38, 1-based): chr7:30,616,060, T>G. VCF-style: chr7-30616060-T-G. GRCh37 (hg19) VCF-style: chr7-30655676-T-G.
Other names: c.1032+2T>G (NM_001316772.1).
Identifiers: ClinVar variation 2657371 (VCV002657371.24), dbSNP rs2534311990, ClinGen allele CA367126631.
Genomic context (GRCh38, chr7:30,616,060, plus strand): 5'-AAGCCCAGGTCAGCGGACAGTCCGCTCGGAAAATGCGCCTGGGAGATGCTGTTGAACAGG[T>G]AGGATTCTGGAGGTAACTTAACTTAGATTGTGCCTGTTCAGGGTTTGCAGCAATTAGCAA-3'

ClinVar aggregate classification (germline): Uncertain significance (1 of 4 stars; one submission).

Submission:

CeGaT Center for Human Genetics Tuebingen
Classification: Uncertain significance. Last evaluated: 2022-12-01. Review status: criteria provided, single submitter. Criteria: CeGaT Center For Human Genetics Tuebingen Variant Classification Criteria Version 2. Collection method: clinical testing. Allele origin: germline. Affected: yes. Observed: 1 variant allele.
Comment: GARS1: PM2, PP3